The following is an entry in ClinVar:

ClinVar aggregate classification (germline): Conflicting classifications of pathogenicity. Review status: criteria provided, conflicting classifications (1 of 4 stars). 2 submissions from 2 submitters: Uncertain significance (1); Likely benign (1). Last evaluated 2025-02-03.

Conditions:
Hereditary cancer-predisposing syndrome. Also called: Hereditary Cancer Syndrome; Tumor predisposition; Hereditary neoplastic syndrome; Neoplastic Syndromes, Hereditary. Identifiers: Orphanet 140162, MedGen C0027672, MeSH D009386, MONDO:0015356.
Hereditary diffuse gastric adenocarcinoma (HDGC). Also called: DIFFUSE GASTRIC AND LOBULAR BREAST CANCER SYNDROME. Identifiers: Orphanet 26106, MedGen C1708349, MONDO:0007648, OMIM 137215.

Submissions (2):

Ambry Genetics
Classification: Likely benign for Hereditary cancer-predisposing syndrome. Last evaluated: 2025-02-03. Review status: criteria provided, single submitter. Criteria: Ambry Variant Classification Scheme 2023. Collection method: clinical testing. Allele origin: germline.

Labcorp Genetics (formerly Invitae), Labcorp
Classification: Uncertain significance for Hereditary diffuse gastric adenocarcinoma. Last evaluated: 2024-03-10. Review status: criteria provided, single submitter. Criteria: Invitae Variant Classification Sherloc (09022015). Collection method: clinical testing. Allele origin: germline.
Comment: This sequence change replaces leucine, which is neutral and non-polar, with methionine, which is neutral and non-polar, at codon 11 of the CDH1 protein (p.Leu11Met). This variant is not present in population databases (gnomAD no frequency). This variant has not been reported in the literature in individuals affected with CDH1-related conditions. An algorithm developed to predict the effect of missense changes on protein structure and function (PolyPhen-2) suggests that this variant is likely to be disruptive. In summary, the available evidence is currently insufficient to determine the role of this variant in disease. Therefore, it has been classified as a Variant of Uncertain Significance.

NM_004360.5(CDH1):c.31C>A (p.Leu11Met)

Gene: CDH1 (cadherin 1; plus strand). Cytogenetic location: 16q22.1.
Variant type: single nucleotide variant.
Coding change: c.31C>A on transcript NM_004360.5 (MANE Select); coding-DNA position 31, C replaced by A.
Protein change: p.Leu11Met; replaces leucine 11 with methionine.
Molecular consequence: missense variant. On other transcripts: 5 prime UTR variant (2).
Genome position (GRCh38, 1-based): chr16:68,737,446, C>A. VCF-style: chr16-68737446-C-A. GRCh37 (hg19) VCF-style: chr16-68771349-C-A.
Other names: c.31C>A, p.Leu11Met (NM_001317184.2); c.-1585C>A (NM_001317185.2); c.-1789C>A (NM_001317186.2); short protein forms L11M.
Identifiers: ClinVar variation 3670065 (VCV003670065.3).